The following is an entry in ClinVar:

ClinVar aggregate classification (germline): Uncertain significance (1 of 4 stars; one submission).

Conditions:
Catecholaminergic polymorphic ventricular tachycardia 1. Also called: VENTRICULAR TACHYCARDIA, STRESS-INDUCED POLYMORPHIC 1; RYR2-Related Catecholaminergic Polymorphic Ventricular Tachycardia; VENTRICULAR TACHYCARDIA, CATECHOLAMINERGIC POLYMORPHIC, 1, WITH OR WITHOUT ATRIAL DYSFUNCTION AND/OR DILATED CARDIOMYOPATHY. Identifiers: Orphanet 3286, MedGen C1631597, MONDO:0011484, OMIM 604772.

gnomAD v4.1: 1 of 1,611,798 alleles (0.000062%); highest among the groups gnomAD compares: African/African-American, 0.0013%; no homozygotes.

Submission:

Labcorp Genetics (formerly Invitae), Labcorp
Classification: Uncertain significance for Catecholaminergic polymorphic ventricular tachycardia 1. Last evaluated: 2025-06-16. Review status: criteria provided, single submitter. Criteria: Invitae Variant Classification Sherloc (09022015). Collection method: clinical testing. Allele origin: germline.
Comment: This sequence change replaces aspartic acid, which is acidic and polar, with glutamic acid, which is acidic and polar, at codon 4625 of the RYR2 protein (p.Asp4625Glu). This variant is present in population databases (rs375350387, gnomAD 0.007%). This variant has not been reported in the literature in individuals affected with RYR2-related conditions. Invitae Evidence Modeling of protein sequence and biophysical properties (such as structural, functional, and spatial information, amino acid conservation, physicochemical variation, residue mobility, and thermodynamic stability) indicates that this missense variant is expected to disrupt RYR2 protein function with a positive predictive value of 95%. In summary, the available evidence is currently insufficient to determine the role of this variant in disease. Therefore, it has been classified as a Variant of Uncertain Significance.

NM_001035.3(RYR2):c.13875T>G (p.Asp4625Glu)

Gene: RYR2 (ryanodine receptor 2; plus strand). Cytogenetic location: 1q43.
Variant type: single nucleotide variant.
Coding change: c.13875T>G on transcript NM_001035.3 (MANE Select); coding-DNA position 13875, T replaced by G.
Protein change: p.Asp4625Glu; replaces aspartic acid 4625 with glutamic acid.
Molecular consequence: missense variant.
Genome position (GRCh38, 1-based): chr1:237,793,959, T>G. VCF-style: chr1-237793959-T-G. GRCh37 (hg19) VCF-style: chr1-237957259-T-G.
Other names: short protein forms D4625E.
Identifiers: ClinVar variation 4800128 (VCV004800128.1).